The following is an entry in ClinVar:

NM_014844.5(TECPR2):c.173A>T (p.Tyr58Phe)

Gene: TECPR2 (tectonin beta-propeller repeat containing 2; plus strand). Cytogenetic location: 14q32.31.
Variant type: single nucleotide variant.
Coding change: c.173A>T on transcript NM_014844.5 (MANE Select); coding-DNA position 173, A replaced by T.
Protein change: p.Tyr58Phe; replaces tyrosine 58 with phenylalanine.
Molecular consequence: missense variant.
Genome position (GRCh38, 1-based): chr14:102,376,894, A>T. VCF-style: chr14-102376894-A-T. GRCh37 (hg19) VCF-style: chr14-102843231-A-T.
Other names: c.173A>T, p.Tyr58Phe (NM_001172631.3); short protein forms Y58F.
Identifiers: ClinVar variation 1448941 (VCV001448941.7), dbSNP rs752289754, ClinGen allele CA7357354.

ClinVar aggregate classification (germline): Uncertain significance (1 of 4 stars; one submission).

Conditions:
Hereditary spastic paraplegia 49 (HSAN9). Also called: NEUROPATHY, HEREDITARY SENSORY AND AUTONOMIC, TYPE IX, WITH DEVELOPMENTAL DELAY; Spastic paraplegia 49, autosomal recessive; TECPR2-Related Hereditary Sensory and Autonomic Neuropathy with Intellectual Disability. Identifiers: Orphanet 320385, MedGen C5190860, MONDO:0014016, OMIM 615031.

Allele frequency attached by ClinVar (database versions not stated): ExAC 0.00001; gnomAD 0.00001.
gnomAD v4.1: 16 of 1,614,020 alleles (0.00099%); highest among the groups gnomAD compares: Middle Eastern, 0.016%; no homozygotes.

Submission:

Labcorp Genetics (formerly Invitae), Labcorp
Classification: Uncertain significance for Hereditary spastic paraplegia 49. Last evaluated: 2025-10-02. Review status: criteria provided, single submitter. Criteria: Invitae Variant Classification Sherloc (09022015). Collection method: clinical testing. Allele origin: germline.
Comment: This sequence change replaces tyrosine, which is neutral and polar, with phenylalanine, which is neutral and non-polar, at codon 58 of the TECPR2 protein (p.Tyr58Phe). This variant is present in population databases (rs752289754, gnomAD 0.01%). This variant has not been reported in the literature in individuals affected with TECPR2-related conditions. ClinVar contains an entry for this variant (Variation ID: 1448941). An algorithm developed to predict the effect of missense changes on protein structure and function (PolyPhen-2) suggests that this variant is likely to be disruptive. In summary, the available evidence is currently insufficient to determine the role of this variant in disease. Therefore, it has been classified as a Variant of Uncertain Significance.